The following is an entry in ClinVar:

NM_015972.4(POLR1D):c.365A>C (p.Lys122Thr)

Genes: POLR1D (RNA polymerase I and III subunit D; plus strand), LOC147380392 (uncharacterized LOC147380392; plus strand). Cytogenetic location: 13q12.2.
Variant type: single nucleotide variant.
Coding change: c.365A>C on transcript NM_015972.4 (MANE Select); coding-DNA position 365, A replaced by C.
Protein change: p.Lys122Thr; replaces lysine 122 with threonine.
Molecular consequence: missense variant. On other transcripts: intron variant (2).
Genome position (GRCh38, 1-based): chr13:27,623,213, A>C. VCF-style: chr13-27623213-A-C. GRCh37 (hg19) VCF-style: chr13-28197350-A-C.
Other names: c.365A>C, p.Lys122Thr (NM_001374407.1); c.-59+2073A>C (NM_001206559.2); c.26+1204A>C (NM_152705.3); short protein forms K122T.
Identifiers: ClinVar variation 1312729 (VCV001312729.2), dbSNP rs2138519274, ClinGen allele CA387636203.
Genomic context (GRCh38, chr13:27,623,213, plus strand): 5'-AGCTCATGAATGTCTGCCAACATGTGCTTGACAAGTTTGAGGCCAGCATAAAGGACTATA[A>C]GGATCAAAAAGCAAGCAGAAATGAATCCACATTCTAGTCCTTTATGCAGTATACAAGGAG-3'
Protein context (NP_057056.1, residues 112-132): DKFEASIKDY[Lys122Thr]DQKASRNEST

ClinVar aggregate classification (germline): Uncertain significance (1 of 4 stars; one submission).

Submission:

GeneDx
Classification: Uncertain significance. Last evaluated: 2020-06-24. Review status: criteria provided, single submitter. Criteria: GeneDx Variant Classification Process June 2021. Collection method: clinical testing. Allele origin: germline. Affected: yes.
Comment: Not observed in large population cohorts (Lek et al., 2016); In silico analysis supports that this missense variant does not alter protein structure/function; Has not been previously published as pathogenic or benign to our knowledge